The following is an entry in ClinVar:

ClinVar aggregate classification (germline): Benign/Likely benign. Review status: criteria provided, multiple submitters, no conflicts (2 of 4 stars). 6 submissions from 6 submitters: Benign (2); Likely benign (3). 1 of the submissions does not count toward it. Last evaluated 2026-01-31.

Conditions:
Alport syndrome. Also called: Hemorrhagic familial nephritis; Hemorrhagic hereditary nephritis; Congenital hereditary hematuria. Identifiers: Orphanet 63, MedGen C1567741, MONDO:0018965.

Allele frequency attached by ClinVar (database versions not stated): gnomAD 0.01153 and 0.01243; TOPMed 0.01314; ESP Exome Variant Server 0.01333; 1000 Genomes Project 0.01418; 1000 Genomes Project 30x 0.01624.
gnomAD v4.1: 3,453 of 1,614,230 alleles (0.21%); highest among the groups gnomAD compares: African/African-American, 4.1%; 71 homozygotes.

Submissions (6):

Labcorp Genetics (formerly Invitae), Labcorp
Classification: Benign. Last evaluated: 2026-01-31. Review status: criteria provided, single submitter. Criteria: Invitae Variant Classification Sherloc (09022015). Collection method: clinical testing. Allele origin: germline.

Blueprint Genetics
Classification: Likely benign. Last evaluated: 2024-11-26. Review status: criteria provided, single submitter. Criteria: ACMG Guidelines, 2015. Collection method: clinical testing. Allele origin: germline.

GeneDx
Classification: Benign. Last evaluated: 2017-12-18. Review status: criteria provided, single submitter. Criteria: GeneDx Variant Classification (06012015). Collection method: clinical testing. Allele origin: germline. Affected: yes.
Comment: This variant is considered likely benign or benign based on one or more of the following criteria: it is a conservative change, it occurs at a poorly conserved position in the protein, it is predicted to be benign by multiple in silico algorithms, and/or has population frequency not consistent with disease.

Illumina Laboratory Services, Illumina
Classification: Likely benign for Alport syndrome. Last evaluated: 2017-04-27. Review status: criteria provided, single submitter. Criteria: ICSL Variant Classification Criteria 13 December 2019. Collection method: clinical testing. Allele origin: germline.
Comment: This variant was observed as part of a predisposition screen in an ostensibly healthy population. A literature search was performed for the gene, cDNA change, and amino acid change (where applicable). Publications were found based on this search. The evidence from the literature, in combination with allele frequency data from public databases where available, was sufficient to determine this variant is unlikely to cause disease. Therefore, this variant is classified as likely benign.

Breakthrough Genomics
Classification: Likely benign. Review status: criteria provided, single submitter. Criteria: ACMG Guidelines, 2015. Collection method: not provided. Allele origin: germline. Inheritance: Autosomal recessive inheritance. Affected: yes.

Natera, Inc.
Classification: Benign for Alport syndrome. Last evaluated: 2020-09-16. Review status: no assertion criteria provided. Collection method: clinical testing. Allele origin: germline. Not counted in ClinVar's aggregate classification.

Literature cited by the submitters: PubMed 17216251 (cited by Illumina Laboratory Services, Illumina); PubMed 9792860 (cited by Illumina Laboratory Services, Illumina).

NM_000092.5(COL4A4):c.2791G>A (p.Ala931Thr)

Gene: COL4A4 (collagen type IV alpha 4 chain; minus strand). Cytogenetic location: 2q36.3.
Variant type: single nucleotide variant.
Coding change: c.2791G>A on transcript NM_000092.5 (MANE Select); coding-DNA position 2791, G replaced by A.
Protein change: p.Ala931Thr; replaces alanine 931 with threonine.
Molecular consequence: missense variant.
Genome position (GRCh38, 1-based): chr2:227,054,663, C>T on the plus strand (G>A on the coding strand, the complement: COL4A4 is on the minus strand). VCF-style: chr2-227054663-C-T. GRCh37 (hg19) VCF-style: chr2-227919379-C-T.
Other names: short protein forms A931T.
Identifiers: ClinVar variation 334714 (VCV000334714.21), dbSNP rs75875272, ClinGen allele CA2144714.